The following is an entry in ClinVar:

NM_002497.4(NEK2):c.96+6C>T

Genes: NEK2 (NIMA related kinase 2; minus strand), LOC129932452 (ATAC-STARR-seq lymphoblastoid active region 2489; plus strand). Cytogenetic location: 1q32.3.
Variant type: single nucleotide variant.
Coding change: c.96+6C>T on transcript NM_002497.4 (MANE Select); 6 bases into the intron after coding-DNA position 96, C replaced by T.
Molecular consequence: intron variant.
Genome position (GRCh38, 1-based): chr1:211,675,378, G>A on the plus strand (C>T on the coding strand, the complement: NEK2 is on the minus strand). VCF-style: chr1-211675378-G-A. GRCh37 (hg19) VCF-style: chr1-211848720-G-A.
Other names: c.96+6C>T (NM_001204182.2, NM_001204183.2).
Identifiers: ClinVar variation 1359932 (VCV001359932.6), dbSNP rs1212413639, ClinGen allele CA2573131500.

ClinVar aggregate classification (germline): Uncertain significance (1 of 4 stars; one submission).

Submission:

Labcorp Genetics (formerly Invitae), Labcorp
Classification: Uncertain significance. Last evaluated: 2022-07-12. Review status: criteria provided, single submitter. Criteria: Invitae Variant Classification Sherloc (09022015). Collection method: clinical testing. Allele origin: germline.
Comment: This sequence change falls in intron 1 of the NEK2 gene. It does not directly change the encoded amino acid sequence of the NEK2 protein. It affects a nucleotide within the consensus splice site. This variant is not present in population databases (gnomAD no frequency). This variant has not been reported in the literature in individuals affected with NEK2-related conditions. ClinVar contains an entry for this variant (Variation ID: 1359932). Variants that disrupt the consensus splice site are a relatively common cause of aberrant splicing (PMID: 17576681, 9536098). Algorithms developed to predict the effect of sequence changes on RNA splicing suggest that this variant is not likely to affect RNA splicing. In summary, the available evidence is currently insufficient to determine the role of this variant in disease. Therefore, it has been classified as a Variant of Uncertain Significance.

Literature cited by the submitters: PubMed 17576681; PubMed 9536098.